The following is an entry in ClinVar:

ClinVar aggregate classification (germline): Likely benign. Review status: reviewed by expert panel (3 of 4 stars). 8 submissions from 8 submitters: Likely benign (1). 7 of the submissions do not count toward it. Last evaluated 2017-06-29.

Conditions:
Hereditary cancer-predisposing syndrome. Also called: Tumor predisposition; Hereditary Cancer Syndrome; Hereditary neoplastic syndrome; Neoplastic Syndromes, Hereditary. Identifiers: Orphanet 140162, MedGen C0027672, MeSH D009386, MONDO:0015356.
Hereditary breast ovarian cancer syndrome. Also called: Breast and ovarian cancer; Hereditary breast and ovarian cancer syndrome; Hereditary breast and ovarian cancer; BRCA1- and BRCA2-Associated Hereditary Breast and Ovarian Cancer; Hereditary breast and ovarian cancer syndrome (HBOC); Hereditary breast and/or ovarian cancer syndrome. Identifiers: Orphanet 145, MedGen C0677776, MeSH D061325, MONDO:0003582. Disease mechanism: loss of function.
Breast-ovarian cancer, familial, susceptibility to, 2 (BROVCA2). Also called: BRCA2 Hereditary Breast and Ovarian Cancer. Identifiers: Orphanet 145, MedGen C2675520, MONDO:0012933, OMIM 612555. Disease mechanism: loss of function.

Allele frequency attached by ClinVar (database versions not stated): gnomAD 0.00001 and 0.00002; gnomAD exomes 0.00001 and 0.00003; TOPMed 0.00001; ExAC 0.00002; 1000 Genomes Project 30x 0.00016; 1000 Genomes Project 0.00020.
gnomAD v4.1: 7 of 1,614,016 alleles (0.00043%); highest among the groups gnomAD compares: Admixed American, 0.012%; no homozygotes.

Submissions (8):

Evidence-based Network for the Interpretation of Germline Mutant Alleles (ENIGMA)
Classification: Likely benign for Breast-ovarian cancer, familial, susceptibility to, 2. Last evaluated: 2017-06-29. Review status: reviewed by expert panel. Criteria: ENIGMA BRCA1/2 Classification Criteria (2017-06-29). Collection method: curation. Allele origin: germline.
Comment: Synonymous substitution variant, with low bioinformatic likelihood to result in a splicing aberration (Splicing prior probability 0.02).

Labcorp Genetics (formerly Invitae), Labcorp
Classification: Likely benign for Hereditary breast ovarian cancer syndrome. Last evaluated: 2026-01-26. Review status: criteria provided, single submitter. Criteria: Invitae Variant Classification Sherloc (09022015). Collection method: clinical testing. Allele origin: germline. Not counted in ClinVar's aggregate classification.

Quest Diagnostics Nichols Institute San Juan Capistrano
Classification: Likely benign. Last evaluated: 2025-07-11. Review status: criteria provided, single submitter. Criteria: Quest Diagnostics criteria. Collection method: clinical testing. Allele origin: unknown. Not counted in ClinVar's aggregate classification.

All of Us Research Program, National Institutes of Health
Classification: Likely benign for Breast-ovarian cancer, familial, susceptibility to, 2. Last evaluated: 2023-10-27. Review status: criteria provided, single submitter. Criteria: ACMG Guidelines, 2015. Collection method: clinical testing. Allele origin: germline. Inheritance: Autosomal dominant inheritance. Observed: 1 variant allele, 1 heterozygote. Not counted in ClinVar's aggregate classification.
Comment: This study involves interpretation of variants in research participants for the purpose of population health screening. Participant phenotype was not available at the time of variant classification. Additional details can be found in publication PMID: 35346344, PMCID: PMC8962531

Women's Health and Genetics/Laboratory Corporation of America, LabCorp
Classification: Likely benign. Last evaluated: 2019-08-21. Review status: criteria provided, single submitter. Criteria: LabCorp Variant Classification Summary - May 2015. Collection method: clinical testing. Allele origin: germline. Not counted in ClinVar's aggregate classification.

GeneDx
Classification: Likely benign. Last evaluated: 2019-04-22. Review status: criteria provided, single submitter. Criteria: GeneDx Variant Classification Process June 2021. Collection method: clinical testing. Allele origin: germline. Affected: yes. Not counted in ClinVar's aggregate classification.

Color Diagnostics, LLC DBA Color Health
Classification: Likely benign for Hereditary cancer-predisposing syndrome. Last evaluated: 2016-11-07. Review status: criteria provided, single submitter. Criteria: ACMG Guidelines, 2015. Collection method: clinical testing. Allele origin: germline. Not counted in ClinVar's aggregate classification.

Ambry Genetics
Classification: Likely benign for Hereditary cancer-predisposing syndrome. Last evaluated: 2015-02-09. Review status: criteria provided, single submitter. Criteria: Ambry Variant Classification Scheme 2023. Collection method: clinical testing. Allele origin: germline. Not counted in ClinVar's aggregate classification.

NM_000059.4(BRCA2):c.9222A>G (p.Leu3074=)

Gene: BRCA2 (BRCA2 DNA repair associated; plus strand). Cytogenetic location: 13q13.1.
Variant type: single nucleotide variant.
Coding change: c.9222A>G on transcript NM_000059.4 (MANE Select); coding-DNA position 9222, A replaced by G.
Protein change: p.Leu3074=; no amino-acid change (leucine 3074 retained).
Molecular consequence: synonymous variant.
Genome position (GRCh38, 1-based): chr13:32,380,111, A>G. VCF-style: chr13-32380111-A-G. GRCh37 (hg19) VCF-style: chr13-32954248-A-G.
Identifiers: ClinVar variation 184636 (VCV000184636.27), dbSNP rs200635661, ClinGen allele CA026038.
Genomic context (GRCh38, chr13:32,380,111, plus strand): 5'-CCTTCACTTCAGCAAATTTTTAGATCCAGACTTTCAGCCATCTTGTTCTGAGGTGGACCT[A>G]ATAGGATTTGTCGTTTCTGTTGTGAAAAAAACAGGTAATGCACAATATAGTTAATTTTTT-3'
Protein context (NP_000050.3, residues 3064-3084): DFQPSCSEVD[Leu3074=]IGFVVSVVKK